The following is an entry in ClinVar:

ClinVar aggregate classification (germline): Uncertain significance. Review status: criteria provided, multiple submitters, no conflicts (2 of 4 stars). 2 submissions from 2 submitters: Uncertain significance (2). Last evaluated 2025-05-28.

Allele frequency attached by ClinVar (database versions not stated): gnomAD exomes 0.00001 and 0.00002; ExAC 0.00002; gnomAD 0.00009 and 0.00011; TOPMed 0.00009; ESP Exome Variant Server 0.00023.
gnomAD v4.1: 26 of 1,614,094 alleles (0.0016%); highest among the groups gnomAD compares: African/African-American, 0.029%; no homozygotes.

Submissions (2):

Ambry Genetics
Classification: Uncertain significance. Last evaluated: 2025-05-28. Review status: criteria provided, single submitter. Criteria: Ambry Variant Classification Scheme 2023. Collection method: clinical testing. Allele origin: germline.

Labcorp Genetics (formerly Invitae), Labcorp
Classification: Uncertain significance. Last evaluated: 2022-03-13. Review status: criteria provided, single submitter. Criteria: Invitae Variant Classification Sherloc (09022015). Collection method: clinical testing. Allele origin: germline.
Comment: In summary, the available evidence is currently insufficient to determine the role of this variant in disease. Therefore, it has been classified as a Variant of Uncertain Significance. Algorithms developed to predict the effect of missense changes on protein structure and function output the following: SIFT: "Deleterious"; PolyPhen-2: "Benign"; Align-GVGD: "Class C0". The valine amino acid residue is found in multiple mammalian species, which suggests that this missense change does not adversely affect protein function. This variant has not been reported in the literature in individuals affected with ARHGEF1-related conditions. This variant is present in population databases (rs149949574, gnomAD 0.02%). This sequence change replaces alanine, which is neutral and non-polar, with valine, which is neutral and non-polar, at codon 543 of the ARHGEF1 protein (p.Ala543Val).

NM_004706.4(ARHGEF1):c.1583C>T (p.Ala528Val)

Gene: ARHGEF1 (Rho guanine nucleotide exchange factor 1; plus strand). Cytogenetic location: 19q13.2.
Variant type: single nucleotide variant.
Coding change: c.1583C>T on transcript NM_004706.4 (MANE Select); coding-DNA position 1583, C replaced by T.
Protein change: p.Ala528Val; replaces alanine 528 with valine.
Molecular consequence: missense variant.
Genome position (GRCh38, 1-based): chr19:41,902,618, C>T. VCF-style: chr19-41902618-C-T. GRCh37 (hg19) VCF-style: chr19-42406768-C-T.
Other names: c.1484C>T, p.Ala495Val (NM_198977.2); c.1628C>T, p.Ala543Val (NM_199002.2); c.1628C>T (NM_199002.1); short protein forms A543V, A528V, A495V.
Identifiers: ClinVar variation 1450856 (VCV001450856.7), dbSNP rs149949574, ClinGen allele CA9466412.